The following is an entry in ClinVar:

NM_198253.3(TERT):c.772C>T (p.His258Tyr)

Gene: TERT (telomerase reverse transcriptase; minus strand). Cytogenetic location: 5p15.33.
Variant type: single nucleotide variant.
Coding change: c.772C>T on transcript NM_198253.3 (MANE Select); coding-DNA position 772, C replaced by T.
Protein change: p.His258Tyr; replaces histidine 258 with tyrosine.
Molecular consequence: missense variant. On other transcripts: non-coding transcript variant (2).
Genome position (GRCh38, 1-based): chr5:1,294,114, G>A on the plus strand (C>T on the coding strand, the complement: TERT is on the minus strand). VCF-style: chr5-1294114-G-A. GRCh37 (hg19) VCF-style: chr5-1294229-G-A.
Other names: c.772C>T, p.His258Tyr (NM_001193376.3); short protein forms H258Y.
Identifiers: ClinVar variation 939923 (VCV000939923.13), dbSNP rs1751206811, ClinGen allele CA359056854.
Genomic context (GRCh38, chr5:1,294,114, plus strand): 5'-GTCTGGCAGGTGACACCACACAGAAACCACGGTCACTCGGTCCACGCGTCCTGCCCGGGT[G>A]GGCCCAGGACCCCTGCCCAACGGGCGTCCGCTCCGGCTCAGGGGCAGCGCCACGCCTGGG-3'
Protein context (NP_937983.2, residues 248-268): RTPVGQGSWA[His258Tyr]PGRTRGPSDR

ClinVar aggregate classification (germline): Uncertain significance. Review status: criteria provided, multiple submitters, no conflicts (2 of 4 stars). 3 submissions from 3 submitters: Uncertain significance (3). Last evaluated 2025-06-30.

Conditions:
Dyskeratosis congenita, autosomal dominant 2. Identifiers: MedGen C3151443, MONDO:0013521, OMIM 613989.
Idiopathic Pulmonary Fibrosis. Also called: Idiopathic fibrosing alveolitis, chronic form; idiopathic fibrosing alveolitis. Identifiers: Orphanet 2032, MedGen C1800706, MeSH D054990, MONDO:0800504.
Dyskeratosis congenita. Identifiers: Orphanet 1775, MedGen C0265965, MONDO:0015780.

Allele frequency attached by ClinVar (database versions not stated): gnomAD exomes below 0.00001.
gnomAD v4.1: 1 of 1,585,010 alleles (0.000063%); highest among the groups gnomAD compares: Non-Finnish European, 0.000086%; no homozygotes.

Submissions (3):

GeneDx
Classification: Uncertain significance. Last evaluated: 2025-06-30. Review status: criteria provided, single submitter. Criteria: GeneDx Variant Classification Process June 2021. Collection method: clinical testing. Allele origin: germline. Affected: yes.
Comment: Not observed at significant frequency in large population cohorts (gnomAD); In silico analysis suggests that this missense variant does not alter protein structure/function; Has not been previously published as pathogenic or benign to our knowledge

Labcorp Genetics (formerly Invitae), Labcorp
Classification: Uncertain significance for Dyskeratosis congenita, autosomal dominant 2; Idiopathic Pulmonary Fibrosis. Last evaluated: 2025-04-19. Review status: criteria provided, single submitter. Criteria: Invitae Variant Classification Sherloc (09022015). Collection method: clinical testing. Allele origin: germline.
Comment: This sequence change replaces histidine, which is basic and polar, with tyrosine, which is neutral and polar, at codon 258 of the TERT protein (p.His258Tyr). This variant is not present in population databases (gnomAD no frequency). This variant has not been reported in the literature in individuals affected with TERT-related conditions. ClinVar contains an entry for this variant (Variation ID: 939923). An algorithm developed to predict the effect of missense changes on protein structure and function outputs the following: PolyPhen-2: "Benign". The tyrosine amino acid residue is found in multiple mammalian species, which suggests that this missense change does not adversely affect protein function. In summary, the available evidence is currently insufficient to determine the role of this variant in disease. Therefore, it has been classified as a Variant of Uncertain Significance.

Ambry Genetics
Classification: Uncertain significance for Dyskeratosis congenita. Last evaluated: 2022-07-19. Review status: criteria provided, single submitter. Criteria: Ambry Variant Classification Scheme 2023. Collection method: clinical testing. Allele origin: germline.
Comment: The p.H258Y variant (also known as c.772C>T), located in coding exon 2 of the TERT gene, results from a C to T substitution at nucleotide position 772. The histidine at codon 258 is replaced by tyrosine, an amino acid with similar properties. This amino acid position is conserved. In addition, this alteration is predicted to be tolerated by in silico analysis. Since supporting evidence is limited at this time, the clinical significance of this alteration remains unclear.